The following is an entry in ClinVar:

ClinVar aggregate classification (germline): Likely pathogenic (1 of 4 stars; one submission).

Allele frequency attached by ClinVar (database versions not stated): TOPMed below 0.00001.

Submission:

Labcorp Genetics (formerly Invitae), Labcorp
Classification: Likely pathogenic. Last evaluated: 2022-09-04. Review status: criteria provided, single submitter. Criteria: Invitae Variant Classification Sherloc (09022015). Collection method: clinical testing. Allele origin: germline.
Comment: This sequence change affects a donor splice site in intron 18 of the CEP135 gene. It is expected to disrupt RNA splicing. Variants that disrupt the donor or acceptor splice site typically lead to a loss of protein function (PMID: 16199547), and loss-of-function variants in CEP135 are known to be pathogenic (PMID: 22521416, 26657937). This variant is not present in population databases (gnomAD no frequency). This variant has not been reported in the literature in individuals affected with CEP135-related conditions. Algorithms developed to predict the effect of sequence changes on RNA splicing suggest that this variant may disrupt the consensus splice site. In summary, the currently available evidence indicates that the variant is pathogenic, but additional data are needed to prove that conclusively. Therefore, this variant has been classified as Likely Pathogenic.

Literature cited by the submitters: PubMed 16199547; PubMed 22521416; PubMed 26657937.

NM_025009.5(CEP135):c.2336+1G>A

Gene: CEP135 (centrosomal protein 135; plus strand). Cytogenetic location: 4q12.
Variant type: single nucleotide variant.
Coding change: c.2336+1G>A on transcript NM_025009.5 (MANE Select); the canonical splice donor site of the intron after coding-DNA position 2336, G replaced by A.
Molecular consequence: splice donor variant.
Genome position (GRCh38, 1-based): chr4:56,008,383, G>A. VCF-style: chr4-56008383-G-A. GRCh37 (hg19) VCF-style: chr4-56874549-G-A.
Identifiers: ClinVar variation 1910337 (VCV001910337.2), dbSNP rs1041156693, ClinGen allele CA356963038.
Genomic context (GRCh38, chr4:56,008,383, plus strand): 5'-ATAGGAAAAAGCTGTTGCTCAAATGAAGATAATGATCTCAGAGTGTGAATCATCTGTGAA[G>A]TAAGTCATTAATGAAATTACATCCAGCTTTTTAGGAGATTTTCAGTGAATACAGCTTTAT-3'